The following is an entry in ClinVar:

NM_000075.4(CDK4):c.748C>A (p.Pro250Thr)

Genes: CDK4 (cyclin dependent kinase 4; minus strand), TSPAN31 (tetraspanin 31; plus strand). Cytogenetic location: 12q14.1.
Variant type: single nucleotide variant.
Coding change: c.748C>A on transcript NM_000075.4 (MANE Select); coding-DNA position 748, C replaced by A.
Protein change: p.Pro250Thr; replaces proline 250 with threonine.
Molecular consequence: missense variant. On other transcripts: 3 prime UTR variant (3).
Genome position (GRCh38, 1-based): chr12:57,749,253, G>T on the plus strand (C>A on the coding strand, the complement: CDK4 is on the minus strand). VCF-style: chr12-57749253-G-T. GRCh37 (hg19) VCF-style: chr12-58143036-G-T.
Other names: c.*1963G>T (NM_001330168.2, NM_001330169.2, NM_005981.5); short protein forms P250T.
Identifiers: ClinVar variation 1514719 (VCV001514719.10), dbSNP rs2140382889, ClinGen allele CA385543362.

ClinVar aggregate classification (germline): Uncertain significance. Review status: criteria provided, multiple submitters, no conflicts (2 of 4 stars). 2 submissions from 2 submitters: Uncertain significance (2). Last evaluated 2025-12-08.

Conditions:
Familial melanoma. Also called: Hereditary melanoma; Hereditary cutaneous melanoma. Identifiers: Orphanet 618, MedGen C1512419, MONDO:0018961.
Hereditary cancer-predisposing syndrome. Also called: Tumor predisposition; Neoplastic Syndromes, Hereditary; Hereditary neoplastic syndrome; Hereditary Cancer Syndrome. Identifiers: Orphanet 140162, MedGen C0027672, MeSH D009386, MONDO:0015356.

Submissions (2):

Labcorp Genetics (formerly Invitae), Labcorp
Classification: Uncertain significance for Familial melanoma. Last evaluated: 2025-12-08. Review status: criteria provided, single submitter. Criteria: Invitae Variant Classification Sherloc (09022015). Collection method: clinical testing. Allele origin: germline.
Comment: This sequence change replaces proline, which is neutral and non-polar, with threonine, which is neutral and polar, at codon 250 of the CDK4 protein (p.Pro250Thr). This variant is not present in population databases (gnomAD no frequency). This variant has not been reported in the literature in individuals affected with CDK4-related conditions. ClinVar contains an entry for this variant (Variation ID: 1514719). An algorithm developed to predict the effect of missense changes on protein structure and function outputs the following: PolyPhen-2: "Benign". The threonine amino acid residue is found in multiple mammalian species, which suggests that this missense change does not adversely affect protein function. In summary, the available evidence is currently insufficient to determine the role of this variant in disease. Therefore, it has been classified as a Variant of Uncertain Significance.

Ambry Genetics
Classification: Uncertain significance for Hereditary cancer-predisposing syndrome. Last evaluated: 2022-11-17. Review status: criteria provided, single submitter. Criteria: Ambry Variant Classification Scheme 2023. Collection method: clinical testing. Allele origin: germline.
Comment: The p.P250T variant (also known as c.748C>A), located in coding exon 6 of the CDK4 gene, results from a C to A substitution at nucleotide position 748. The proline at codon 250 is replaced by threonine, an amino acid with highly similar properties. This amino acid position is conserved. In addition, this alteration is predicted to be tolerated by in silico analysis. Since supporting evidence is limited at this time, the clinical significance of this alteration remains unclear.